The following is an entry in ClinVar:

ClinVar aggregate classification (germline): Uncertain significance. Review status: criteria provided, multiple submitters, no conflicts (2 of 4 stars). 2 submissions from 2 submitters: Uncertain significance (2). Last evaluated 2025-07-02.

Conditions:
Ullrich congenital muscular dystrophy 2 (UCMD2). Identifiers: Orphanet 75840, MedGen C4225314, MONDO:0014654, OMIM 616470.
Bethlem myopathy 2 (BTHLM2). Identifiers: Orphanet 536516, Orphanet 610, MedGen C4225313, MONDO:0034022, OMIM 616471.

Allele frequency attached by ClinVar (database versions not stated): gnomAD 0.00001; TOPMed 0.00001.
gnomAD v4.1: 1 of 1,613,902 alleles (0.000062%); highest among the groups gnomAD compares: African/African-American, 0.0013%; no homozygotes.

Submissions (2):

GeneDx
Classification: Uncertain significance. Last evaluated: 2025-07-02. Review status: criteria provided, single submitter. Criteria: GeneDx Variant Classification Process June 2021. Collection method: clinical testing. Allele origin: germline. Affected: yes.
Comment: Not observed at significant frequency in large population cohorts (gnomAD); In silico analysis supports that this missense variant has a deleterious effect on protein structure/function; Has not been previously published as pathogenic or benign to our knowledge

Labcorp Genetics (formerly Invitae), Labcorp
Classification: Uncertain significance for Bethlem myopathy 2; Ullrich congenital muscular dystrophy 2. Last evaluated: 2023-06-03. Review status: criteria provided, single submitter. Criteria: Invitae Variant Classification Sherloc (09022015). Collection method: clinical testing. Allele origin: germline.
Comment: This sequence change replaces asparagine, which is neutral and polar, with aspartic acid, which is acidic and polar, at codon 1538 of the COL12A1 protein (p.Asn1538Asp). This variant has not been reported in the literature in individuals affected with COL12A1-related conditions. This variant is not present in population databases (gnomAD no frequency). In summary, the available evidence is currently insufficient to determine the role of this variant in disease. Therefore, it has been classified as a Variant of Uncertain Significance. Advanced modeling of protein sequence and biophysical properties (such as structural, functional, and spatial information, amino acid conservation, physicochemical variation, residue mobility, and thermodynamic stability) performed at Invitae indicates that this missense variant is not expected to disrupt COL12A1 protein function.

NM_004370.6(COL12A1):c.4612A>G (p.Asn1538Asp)

Gene: COL12A1 (collagen type XII alpha 1 chain; minus strand). Cytogenetic location: 6q13.
Variant type: single nucleotide variant.
Coding change: c.4612A>G on transcript NM_004370.6 (MANE Select); coding-DNA position 4612, A replaced by G.
Protein change: p.Asn1538Asp; replaces asparagine 1538 with aspartic acid.
Molecular consequence: missense variant.
Genome position (GRCh38, 1-based): chr6:75,145,404, T>C on the plus strand (A>G on the coding strand, the complement: COL12A1 is on the minus strand). VCF-style: chr6-75145404-T-C. GRCh37 (hg19) VCF-style: chr6-75855120-T-C.
Other names: c.4612A>G, p.Asn1538Asp (NM_001424113.1, NM_001424114.1); c.4339A>G, p.Asn1447Asp (NM_001424115.1); c.1120A>G, p.Asn374Asp (NM_001424116.1, NM_080645.3); c.4612A>G (NM_004370.5); short protein forms N1538D, N1447D, N374D.
Identifiers: ClinVar variation 2933259 (VCV002933259.4), dbSNP rs1231066995, ClinGen allele CA364743073.